The following is an entry in ClinVar:

ClinVar aggregate classification (germline): Uncertain significance (1 of 4 stars; one submission).

Allele frequency attached by ClinVar (database versions not stated): ExAC 0.00002; TOPMed 0.00002; gnomAD 0.00001; gnomAD exomes 0.00002.
gnomAD v4.1: 42 of 1,613,370 alleles (0.0026%); highest among the groups gnomAD compares: Admixed American, 0.005%; no homozygotes.

Submission:

Labcorp Genetics (formerly Invitae), Labcorp
Classification: Uncertain significance. Last evaluated: 2022-06-13. Review status: criteria provided, single submitter. Criteria: Invitae Variant Classification Sherloc (09022015). Collection method: clinical testing. Allele origin: germline.
Comment: This sequence change replaces methionine, which is neutral and non-polar, with valine, which is neutral and non-polar, at codon 226 of the TUBGCP6 protein (p.Met226Val). This variant is present in population databases (rs781289529, gnomAD 0.006%). This variant has not been reported in the literature in individuals affected with TUBGCP6-related conditions. ClinVar contains an entry for this variant (Variation ID: 1022802). Algorithms developed to predict the effect of missense changes on protein structure and function are either unavailable or do not agree on the potential impact of this missense change (SIFT: "Deleterious"; PolyPhen-2: "Probably Damaging"; Align-GVGD: "Class C0"). In summary, the available evidence is currently insufficient to determine the role of this variant in disease. Therefore, it has been classified as a Variant of Uncertain Significance.

NM_020461.4(TUBGCP6):c.676A>G (p.Met226Val)

Gene: TUBGCP6 (tubulin gamma complex component 6; minus strand). Cytogenetic location: 22q13.33.
Variant type: single nucleotide variant.
Coding change: c.676A>G on transcript NM_020461.4 (MANE Select); coding-DNA position 676, A replaced by G.
Protein change: p.Met226Val; replaces methionine 226 with valine.
Molecular consequence: missense variant.
Genome position (GRCh38, 1-based): chr22:50,243,784, T>C on the plus strand (A>G on the coding strand, the complement: TUBGCP6 is on the minus strand). VCF-style: chr22-50243784-T-C. GRCh37 (hg19) VCF-style: chr22-50682213-T-C.
Other names: short protein forms M226V.
Identifiers: ClinVar variation 1022802 (VCV001022802.6), dbSNP rs781289529, ClinGen allele CA10309003.